The following is an entry in ClinVar:

ClinVar aggregate classification (germline): Uncertain significance (1 of 4 stars; one submission).

Submission:

GeneDx
Classification: Uncertain significance. Last evaluated: 2023-12-15. Review status: criteria provided, single submitter. Criteria: GeneDx Variant Classification Process June 2021. Collection method: clinical testing. Allele origin: germline. Affected: yes.
Comment: Not observed at significant frequency in large population cohorts (gnomAD); In silico analysis supports that this missense variant does not alter protein structure/function; Has not been previously published as pathogenic or benign to our knowledge

NM_023110.3(FGFR1):c.1187T>C (p.Val396Ala)

Gene: FGFR1 (fibroblast growth factor receptor 1; minus strand). Cytogenetic location: 8p11.23.
Variant type: single nucleotide variant.
Coding change: c.1187T>C on transcript NM_023110.3 (MANE Select); coding-DNA position 1187, T replaced by C.
Protein change: p.Val396Ala; replaces valine 396 with alanine.
Molecular consequence: missense variant.
Genome position (GRCh38, 1-based): chr8:38,419,630, A>G on the plus strand (T>C on the coding strand, the complement: FGFR1 is on the minus strand). VCF-style: chr8-38419630-A-G. GRCh37 (hg19) VCF-style: chr8-38277148-A-G.
Other names: c.1187T>C, p.Val396Ala (NM_001174063.2); c.1163T>C, p.Val388Ala (NM_001174064.2); c.1181T>C, p.Val394Ala (NM_001174065.2, NM_001354367.2, NM_001354369.2 and 2 more transcripts); c.920T>C, p.Val307Ala (NM_001174066.2, NM_023105.3); c.1280T>C, p.Val427Ala (NM_001174067.2); c.914T>C, p.Val305Ala (NM_001354368.2, NM_001354370.2, NM_023106.3); short protein forms V305A, V307A, V388A, V394A, V396A, V427A.
Identifiers: ClinVar variation 3365626 (VCV003365626.1).
Genomic context (GRCh38, chr8:38,419,630, plus strand): 5'-TTGTGCACAGCCATCTGGCTGTGGAAGTCACTCTTCTTGGTACCACTCTTCATCTTGTAG[A>G]CGATGACCGACCCCACCATGCAGGAGATGAGGAAGGCCCCTGTGCAATAGATGATGATCT-3'
Protein context (NP_075598.2, residues 386-406): LISCMVGSVI[Val396Ala]YKMKSGTKKS